The following is an entry in ClinVar:

NM_000059.4(BRCA2):c.7381A>G (p.Asn2461Asp)

Gene: BRCA2 (BRCA2 DNA repair associated; plus strand). Cytogenetic location: 13q13.1.
Variant type: single nucleotide variant.
Coding change: c.7381A>G on transcript NM_000059.4 (MANE Select); coding-DNA position 7381, A replaced by G.
Protein change: p.Asn2461Asp; replaces asparagine 2461 with aspartic acid.
Molecular consequence: missense variant.
Genome position (GRCh38, 1-based): chr13:32,355,234, A>G. VCF-style: chr13-32355234-A-G. GRCh37 (hg19) VCF-style: chr13-32929371-A-G.
Other names: short protein forms N2461D.
Identifiers: ClinVar variation 1429300 (VCV001429300.8), dbSNP rs2137558577, ClinGen allele CA387741698.
Genomic context (GRCh38, chr13:32,355,234, plus strand): 5'-GGCTCTGATGATAGTAAAAATAAGATTAATGACAATGAGATTCATCAGTTTAACAAAAAC[A>G]ACTCCAATCAAGCAGTAGCTGTAACTTTCACAAAGTGTGAAGAAGAACCTTTAGGTATTG-3'
Protein context (NP_000050.3, residues 2451-2471): DNEIHQFNKN[Asn2461Asp]SNQAVAVTFT

ClinVar aggregate classification (germline): Uncertain significance (1 of 4 stars; one submission).

Conditions:
Hereditary breast ovarian cancer syndrome. Also called: Hereditary breast and ovarian cancer syndrome; Hereditary breast and/or ovarian cancer syndrome; Hereditary breast and ovarian cancer; Breast and ovarian cancer; Hereditary breast and ovarian cancer syndrome (HBOC); BRCA1- and BRCA2-Associated Hereditary Breast and Ovarian Cancer. Identifiers: Orphanet 145, MedGen C0677776, MeSH D061325, MONDO:0003582. Disease mechanism: loss of function.

Submission:

Labcorp Genetics (formerly Invitae), Labcorp
Classification: Uncertain significance for Hereditary breast ovarian cancer syndrome. Last evaluated: 2021-02-05. Review status: criteria provided, single submitter. Criteria: Invitae Variant Classification Sherloc (09022015). Collection method: clinical testing. Allele origin: germline.
Comment: In summary, the available evidence is currently insufficient to determine the role of this variant in disease. Therefore, it has been classified as a Variant of Uncertain Significance. Advanced modeling of protein sequence and biophysical properties (such as structural, functional, and spatial information, amino acid conservation, physicochemical variation, residue mobility, and thermodynamic stability) performed at Invitae indicates that this missense variant is not expected to disrupt BRCA2 protein function. This variant has not been reported in the literature in individuals with BRCA2-related conditions. This variant is not present in population databases (ExAC no frequency). This sequence change replaces asparagine with aspartic acid at codon 2461 of the BRCA2 protein (p.Asn2461Asp). The asparagine residue is weakly conserved and there is a small physicochemical difference between asparagine and aspartic acid.